The following is an entry in ClinVar:

ClinVar aggregate classification (germline): Likely pathogenic (1 of 4 stars; one submission).

Conditions:
Jalili syndrome. Also called: CONE-ROD DYSTROPHY AND AMELOGENESIS IMPERFECTA. Identifiers: Orphanet 1873, MedGen C3495589, MONDO:0009007, OMIM 217080.

Submission:

Juno Genomics, Hangzhou Juno Genomics, Inc
Classification: Likely pathogenic for Jalili syndrome. Review status: criteria provided, single submitter. Criteria: ACMG Guidelines, 2015. Collection method: clinical testing. Allele origin: germline.
Comment: Absent from controls (or at extremely low frequency if recessive) in Genome Aggregation Database.;Null variant in a gene where loss of function (LOF) is a known mechanism of disease.

NM_020184.4(CNNM4):c.981dup (p.Leu328fs)

Gene: CNNM4 (cyclin and CBS domain divalent metal cation transport mediator 4; plus strand). Cytogenetic location: 2q11.2.
Variant type: Duplication.
Coding change: c.981dup on transcript NM_020184.4 (MANE Select); coding-DNA position 981, one base duplicated (T; older notation c.981dupT).
Protein change: p.Leu328fs; shifts the reading frame from leucine 328.
Molecular consequence: frameshift variant.
Genome position (GRCh38, 1-based): chr2:96,761,980, T duplicated; the last of 6 consecutive T bases (chr2:96,761,975-96,761,980); duplicating any one gives the same sequence. VCF-style (leftmost placement, unchanged base first): chr2-96761974-C-CT. GRCh37 (hg19) VCF-style: chr2-97427711-C-CT.
Other names: short protein forms L328fs.
Identifiers: ClinVar variation 5019478 (VCV005019478.2).